The following continues an entry in ClinVar:

NM_000231.3(SGCG):c.525del (p.Phe175fs)

Gene: SGCG. ClinVar aggregate classification (germline): Pathogenic. Pathogenic (1).

Submissions 14 to 22 of 22:

Kariminejad - Najmabadi Pathology & Genetics Center
Classification: Pathogenic for Autosomal recessive limb-girdle muscular dystrophy type 2C. Last evaluated: 2021-09-19. Review status: criteria provided, single submitter. Criteria: ACMG Guidelines, 2015. Collection method: clinical testing. Allele origin: germline. Inheritance: Autosomal recessive inheritance. Affected: yes. Observed: 2 variant alleles. Not counted in ClinVar's aggregate classification.
Comment: PM2, PVS1, PP5

Fulgent Genetics
Classification: Pathogenic for Autosomal recessive limb-girdle muscular dystrophy type 2C. Last evaluated: 2021-07-08. Review status: criteria provided, single submitter. Criteria: ACMG Guidelines, 2015. Collection method: clinical testing. Allele origin: unknown. Not counted in ClinVar's aggregate classification.

Broad Center for Mendelian Genomics, Broad Institute of MIT and Harvard
Classification: Pathogenic for Autosomal recessive limb-girdle muscular dystrophy type 2C. Last evaluated: 2018-12-03. Review status: criteria provided, single submitter. Criteria: ACMG Guidelines, 2015. Collection method: research. Allele origin: germline. Inheritance: Autosomal recessive inheritance. Affected: yes. Not counted in ClinVar's aggregate classification.
Comment: The homozygous p.Phe175LeufsTer20 variant in SGCG was identified by our study in five individuals (four siblings and one unrelated individual) with limb-girdle muscular dystrophy (LGMD). This variant has been identified in 0.006092% (15/246240) of chromosomes in the Genome Aggregation Database (gnomAD; dbSNP rs765500509). Although this variant has been seen in the general population, the frequency is low enough to be consistent with a recessive carrier frequency. This variant is predicted to cause a frameshift, which alters the protein's amino acid sequence beginning at position 175 and leads to a premature termination codon 20 amino acids downstream. This alteration is then predicted to lead to a truncated or absent protein. Loss of function of the SGCG gene is an established disease mechanism in autosomal recessive LGMD. This variant has also been reported in ClinVar (Variation ID: 189243). In summary, this variant meets criteria to be classified as pathogenic for LGMD in an autosomal recessive manner based on the predicted impact of the variant and multiple reports in ClinVar. ACMG/AMP Criteria applied: PM2, PVS1, PP1 (Richards 2015).

Eurofins Ntd Llc (ga)
Classification: Pathogenic. Last evaluated: 2016-08-26. Review status: criteria provided, single submitter. Criteria: EGL Classification Definitions 2015. Collection method: clinical testing. Allele origin: germline. Observed: 11 variant alleles, 7 heterozygotes, 4 homozygotes. Not counted in ClinVar's aggregate classification.

Athena Diagnostics
Classification: Pathogenic. Last evaluated: 2014-12-19. Review status: criteria provided, single submitter. Criteria: Athena Diagnostics Criteria. Collection method: clinical testing. Allele origin: unknown. Not counted in ClinVar's aggregate classification.
Comment: The variant results in a shift of the reading frame, and is therefore predicted to result in the loss of a functional protein. The frequency of this variant in the general population is consistent with pathogenicity. Found in multiple individuals with expected phenotype for this gene.

Laboratory for Molecular Medicine, Mass General Brigham Personalized Medicine
Classification: Pathogenic for Limb girdle muscular dystrophy type 2C. Last evaluated: 2014-09-15. Review status: criteria provided, single submitter. Criteria: LMM Criteria. Collection method: clinical testing. Allele origin: germline. Inheritance: Autosomal recessive inheritance. Observed: 1 variant allele. Study: CSER-MedSeq. Not counted in ClinVar's aggregate classification.
Comment: The Phe175LeufsX20 variant in SGCG has been reported in many individuals with limb girdle muscular dystrophy type 2C (LGMD2C; Noguchi 1995, Boyden 2010, Herson 2012, Schroder 2014, El Kerch 2014). Data from large population studies is insufficient to assess the frequency of this variant. This variant is predicted to cause a frameshift, which alters the protein’s amino acid sequence beginning at position 175 and leads to a premature termination codon 20 amino acids downstream. This alteration is then predicted to lead to a truncated or absent protein. Complete loss of SGCG function is an established disease mechanism in LGMD2C. In summary, this variant meets our criteria to be classified as pathogenic for LGMD2C in an autosomal recessive manner.

Section for Clinical Neurogenetics, University of Tübingen
Classification: Pathogenic for Autosomal recessive limb-girdle muscular dystrophy type 2C. Last evaluated: 2019-08-01. Review status: no assertion criteria provided. Collection method: research. Allele origin: germline. Affected: yes. Not counted in ClinVar's aggregate classification.

Counsyl
Classification: Pathogenic for Autosomal recessive limb-girdle muscular dystrophy type 2C. Last evaluated: 2017-02-22. Review status: no assertion criteria provided. Collection method: clinical testing. Allele origin: unknown. Not counted in ClinVar's aggregate classification.

OMIM
Classification: Pathogenic for MUSCULAR DYSTROPHY, LIMB-GIRDLE, AUTOSOMAL RECESSIVE 5. Last evaluated: 2000-08-12. Review status: no assertion criteria provided. Collection method: literature only. Allele origin: germline. Not counted in ClinVar's aggregate classification.

Literature cited by the submitters: PubMed 20623375 (cited by Department of Molecular Genetics, Istishari Arab Hospital and Laboratory for Molecular Medicine, Mass General Brigham Personalized Medicine); PubMed 22240777 (cited by 4 submitters); PubMed 23929688 (cited by 4 submitters); PubMed 24552312 (cited by 4 submitters); PubMed 7481775 (cited by 5 submitters); PubMed 10993494 (cited by Dasa); PubMed 10942431 (cited by 3 submitters); PubMed 16616845 (cited by Dasa); PubMed 18285821 (cited by Dasa and Labcorp Genetics (formerly Invitae), Labcorp); PubMed 12040521 (cited by Labcorp Genetics (formerly Invitae), Labcorp); PubMed 12566530 (cited by Natera, Inc. and Counsyl); DOI 10.1186/s13073-024-01353-0 (cited by Muscle and Diseases Team, Institut de Génétique et Biologie Moléculaire et Cellulaire); PubMed 32214227 (cited by Section for Clinical Neurogenetics, University of Tübingen); PubMed 8923014 (cited by Section for Clinical Neurogenetics, University of Tübingen and OMIM); PubMed 1303286 (cited by OMIM).